The following is an entry in ClinVar:

NM_001190274.2(FBXO11):c.905T>C (p.Ile302Thr)

Gene: FBXO11 (F-box protein 11; minus strand). Cytogenetic location: 2p16.3.
Variant type: single nucleotide variant.
Coding change: c.905T>C on transcript NM_001190274.2 (MANE Select); coding-DNA position 905, T replaced by C.
Protein change: p.Ile302Thr; replaces isoleucine 302 with threonine.
Molecular consequence: missense variant.
Genome position (GRCh38, 1-based): chr2:47,834,608, A>G on the plus strand (T>C on the coding strand, the complement: FBXO11 is on the minus strand). VCF-style: chr2-47834608-A-G. GRCh37 (hg19) VCF-style: chr2-48061747-A-G.
Other names: c.653T>C, p.Ile218Thr (NM_001374325.1, NM_025133.4); short protein forms I218T, I302T.
Identifiers: ClinVar variation 451361 (VCV000451361.2), dbSNP rs1553341071, ClinGen allele CA346811674.

ClinVar aggregate classification (germline): Uncertain significance (1 of 4 stars; one submission).

Allele frequency attached by ClinVar (database versions not stated): TOPMed below 0.00001.

Submission:

GeneDx
Classification: Uncertain significance. Last evaluated: 2017-08-28. Review status: criteria provided, single submitter. Criteria: GeneDx Variant Classification (06012015). Collection method: clinical testing. Allele origin: germline. Affected: yes.
Comment: The I302T variant in the FBXO11 gene has not been reported previously as a pathogenic variant, nor as a benign variant, to our knowledge. The I302T variant is not observed in large population cohorts (Lek et al., 2016; 1000 Genomes Consortium et al., 2015; Exome Variant Server). The I302T variant is a non-conservative amino acid substitution, which is likely to impact secondary protein structure as these residues differ in polarity, charge, size and/or other properties. This substitution occurs at a position that is conserved across species, and in silico analysis predicts this variant is probably damaging to the protein structure/function. We interpret I302T as a variant of uncertain significance.